The following is an entry in ClinVar:

ClinVar aggregate classification (germline): Uncertain significance (1 of 4 stars; one submission).

Conditions:
Inborn genetic diseases. Identifiers: MedGen C0950123, MeSH D030342.

Submission:

Ambry Genetics
Classification: Uncertain significance for Inborn genetic diseases. Last evaluated: 2025-05-17. Review status: criteria provided, single submitter. Criteria: Ambry Variant Classification Scheme 2023. Collection method: clinical testing. Allele origin: germline.
Comment: The p.S683C variant (also known as c.2048C>G), located in coding exon 16 of the BUB1B gene, results from a C to G substitution at nucleotide position 2048. The serine at codon 683 is replaced by cysteine, an amino acid with dissimilar properties. This amino acid position is conserved. In addition, this alteration is predicted to be tolerated by in silico analysis. Since supporting evidence is limited at this time, the clinical significance of this alteration remains unclear.

NM_001211.6(BUB1B):c.2048C>G (p.Ser683Cys)

Gene: BUB1B (BUB1 mitotic checkpoint serine/threonine kinase B; plus strand). Cytogenetic location: 15q15.1.
Variant type: single nucleotide variant.
Coding change: c.2048C>G on transcript NM_001211.6 (MANE Select); coding-DNA position 2048, C replaced by G.
Protein change: p.Ser683Cys; replaces serine 683 with cysteine.
Molecular consequence: missense variant.
Genome position (GRCh38, 1-based): chr15:40,208,675, C>G. VCF-style: chr15-40208675-C-G. GRCh37 (hg19) VCF-style: chr15-40500876-C-G.
Other names: short protein forms S683C.
Identifiers: ClinVar variation 1784999 (VCV001784999.3), dbSNP rs2542569543, ClinGen allele CA391693428.